The following is an entry in ClinVar:

ClinVar aggregate classification (germline): Likely pathogenic (1 of 4 stars; one submission).

Conditions:
Epilepsy, familial temporal lobe, 1. Identifiers: Orphanet 101046, MedGen CN030884, MONDO:0700090, OMIM 600512.

Submission:

First Genomix Gene Laboratory, Genetic Diagnostics Department
Classification: Likely pathogenic for Epilepsy, familial temporal lobe, 1. Last evaluated: 2025-09-09. Review status: criteria provided, single submitter. Criteria: ACMG Guidelines, 2015. Collection method: clinical testing. Allele origin: germline. Inheritance: Autosomal dominant inheritance. Affected: yes. Observed: 1 variant allele.
Comment: In the literature, this variant has been reported in a patient with seizures, as well as in the affected mother and one unaffected brother. Functional studies demonstrated that this variant impairs protein secretion, inhibiting the release of the mutant proteins (PMID: 21504429).

Literature cited by the submitters: PubMed 21504429.

NM_005097.4(LGI1):c.365T>C (p.Ile122Thr)

Gene: LGI1 (leucine rich glioma inactivated 1; plus strand). Cytogenetic location: 10q23.33.
Variant type: single nucleotide variant.
Coding change: c.365T>C on transcript NM_005097.4 (MANE Select); coding-DNA position 365, T replaced by C.
Protein change: p.Ile122Thr; replaces isoleucine 122 with threonine.
Molecular consequence: missense variant. On other transcripts: intron variant (1).
Genome position (GRCh38, 1-based): chr10:93,777,551, T>C. VCF-style: chr10-93777551-T-C. GRCh37 (hg19) VCF-style: chr10-95537308-T-C.
Other names: c.365T>C, p.Ile122Thr (NM_001308275.2); c.288-12548T>C (NM_001308276.2); short protein forms I122T.
Identifiers: ClinVar variation 4850295 (VCV004850295.1).